The following is an entry in ClinVar:

NM_004329.3(BMPR1A):c.1450T>A (p.Ser484Thr)

Gene: BMPR1A (bone morphogenetic protein receptor type 1A; plus strand). Cytogenetic location: 10q23.2.
Variant type: single nucleotide variant.
Coding change: c.1450T>A on transcript NM_004329.3 (MANE Select); coding-DNA position 1450, T replaced by A.
Protein change: p.Ser484Thr; replaces serine 484 with threonine.
Molecular consequence: missense variant.
Genome position (GRCh38, 1-based): chr10:86,923,483, T>A. VCF-style: chr10-86923483-T-A. GRCh37 (hg19) VCF-style: chr10-88683240-T-A.
Other names: short protein forms S484T.
Identifiers: ClinVar variation 529937 (VCV000529937.22), dbSNP rs1554891611, ClinGen allele CA377463148.

ClinVar aggregate classification (germline): Uncertain significance. Review status: criteria provided, multiple submitters, no conflicts (2 of 4 stars). 5 submissions from 5 submitters: Uncertain significance (5). Last evaluated 2024-12-05.

Conditions:
Hereditary cancer-predisposing syndrome. Also called: Neoplastic Syndromes, Hereditary; Hereditary neoplastic syndrome; Tumor predisposition; Hereditary Cancer Syndrome. Identifiers: Orphanet 140162, MedGen C0027672, MeSH D009386, MONDO:0015356.
Juvenile polyposis syndrome (JPS). Identifiers: Orphanet 2929, MedGen C0345893, MONDO:0017380, OMIM 174900.

Allele frequency attached by ClinVar (database versions not stated): gnomAD exomes below 0.00001; TOPMed below 0.00001.
gnomAD v4.1: 1 of 1,614,242 alleles (0.000062%); highest among the groups gnomAD compares: Non-Finnish European, 0.000085%; no homozygotes.

Submissions (5):

Ambry Genetics
Classification: Uncertain significance for Hereditary cancer-predisposing syndrome. Last evaluated: 2024-12-05. Review status: criteria provided, single submitter. Criteria: Ambry Variant Classification Scheme 2023. Collection method: clinical testing. Allele origin: germline.
Comment: The p.S484T variant (also known as c.1450T>A), located in coding exon 10 of the BMPR1A gene, results from a T to A substitution at nucleotide position 1450. The serine at codon 484 is replaced by threonine, an amino acid with similar properties. This amino acid position is well conserved in available vertebrate species. In addition, the in silico prediction for this alteration is inconclusive. Based on the available evidence, the clinical significance of this variant remains unclear.

All of Us Research Program, National Institutes of Health
Classification: Uncertain significance for Juvenile polyposis syndrome. Last evaluated: 2024-08-06. Review status: criteria provided, single submitter. Criteria: ACMG Guidelines, 2015. Collection method: clinical testing. Allele origin: germline. Inheritance: Autosomal dominant inheritance. Observed: 1 variant allele, 1 heterozygote.
Comment: This missense variant replaces serine with threonine at codon 484 of the BMPR1A protein. Computational prediction is inconclusive regarding the impact of this variant on protein structure and function (internally defined REVEL score threshold 0.5 < inconclusive < 0.7, PMID: 27666373). To our knowledge, functional studies have not been reported for this variant. This variant has not been reported in individuals affected with hereditary cancer in the literature. This variant has not been identified in the general population by the Genome Aggregation Database (gnomAD). The available evidence is insufficient to determine the role of this variant in disease conclusively. Therefore, this variant is classified as a Variant of Uncertain Significance.

This study involves interpretation of variants in research participants for the purpose of population health screening. Participant phenotype was not available at the time of variant classification. Additional details can be found in publication PMID: 35346344, PMCID: PMC8962531

Labcorp Genetics (formerly Invitae), Labcorp
Classification: Uncertain significance for Juvenile polyposis syndrome. Last evaluated: 2024-04-29. Review status: criteria provided, single submitter. Criteria: Invitae Variant Classification Sherloc (09022015). Collection method: clinical testing. Allele origin: germline.
Comment: This sequence change replaces serine, which is neutral and polar, with threonine, which is neutral and polar, at codon 484 of the BMPR1A protein (p.Ser484Thr). This variant is not present in population databases (gnomAD no frequency). This variant has not been reported in the literature in individuals affected with BMPR1A-related conditions. ClinVar contains an entry for this variant (Variation ID: 529937). Advanced modeling of protein sequence and biophysical properties (such as structural, functional, and spatial information, amino acid conservation, physicochemical variation, residue mobility, and thermodynamic stability) performed at Invitae indicates that this missense variant is not expected to disrupt BMPR1A protein function with a negative predictive value of 80%. In summary, the available evidence is currently insufficient to determine the role of this variant in disease. Therefore, it has been classified as a Variant of Uncertain Significance.

Color Diagnostics, LLC DBA Color Health
Classification: Uncertain significance for Hereditary cancer-predisposing syndrome. Last evaluated: 2024-03-06. Review status: criteria provided, single submitter. Criteria: ACMG Guidelines, 2015. Collection method: clinical testing. Allele origin: germline.
Comment: This missense variant replaces serine with threonine at codon 484 of the BMPR1A protein. Computational prediction is inconclusive regarding the impact of this variant on protein structure and function (internally defined REVEL score threshold 0.5 < inconclusive < 0.7, PMID: 27666373). To our knowledge, functional studies have not been reported for this variant. This variant has not been reported in individuals affected with hereditary cancer in the literature. This variant has not been identified in the general population by the Genome Aggregation Database (gnomAD). The available evidence is insufficient to determine the role of this variant in disease conclusively. Therefore, this variant is classified as a Variant of Uncertain Significance.

GeneDx
Classification: Uncertain significance. Last evaluated: 2019-06-24. Review status: criteria provided, single submitter. Criteria: GeneDx Variant Classification Process June 2021. Collection method: clinical testing. Allele origin: germline. Affected: yes.
Comment: Not observed in large population cohorts (Lek et al., 2016); In silico analysis, which includes protein predictors and evolutionary conservation, supports that this variant does not alter protein structure/function; Has not been previously published as pathogenic or benign to our knowledge